The following is an entry in ClinVar:

NM_001378328.1(CELSR1):c.2223C>T (p.Gly741=)

Gene: CELSR1 (cadherin EGF LAG seven-pass G-type receptor 1; minus strand). Cytogenetic location: 22q13.31.
Variant type: single nucleotide variant.
Coding change: c.2223C>T on transcript NM_001378328.1 (MANE Select); coding-DNA position 2223, C replaced by T.
Protein change: p.Gly741=; no amino-acid change (glycine 741 retained).
Molecular consequence: synonymous variant.
Genome position (GRCh38, 1-based): chr22:46,534,948, G>A on the plus strand (C>T on the coding strand, the complement: CELSR1 is on the minus strand). VCF-style: chr22-46534948-G-A. GRCh37 (hg19) VCF-style: chr22-46930845-G-A.
Other names: c.2223C>T, p.Gly741= (NM_014246.4).
Identifiers: ClinVar variation 3046614 (VCV003046614.2), dbSNP rs1370896069, ClinGen allele CA515100309.

ClinVar aggregate classification (germline): Likely benign (0 of 4 stars; one submission).

Conditions:
CELSR1-related disorder. Also called: CELSR1-related condition.

Allele frequency attached by ClinVar (database versions not stated): gnomAD 0.00001; TOPMed 0.00002.
gnomAD v4.1: 15 of 1,612,122 alleles (0.00093%); highest among the groups gnomAD compares: Middle Eastern, 0.033%; no homozygotes.

Submission:

PreventionGenetics, part of Exact Sciences
Classification: Likely benign for CELSR1-related condition. Last evaluated: 2019-04-05. Review status: no assertion criteria provided. Collection method: clinical testing. Allele origin: germline.
Comment: This variant is classified as likely benign based on ACMG/AMP sequence variant interpretation guidelines (Richards et al. 2015 PMID: 25741868, with internal and published modifications).